The following is an entry in ClinVar:

NM_001159699.2(FHL1):c.118G>A (p.Gly40Ser)

Gene: FHL1 (four and a half LIM domains 1; plus strand). Cytogenetic location: Xq26.3.
Variant type: single nucleotide variant.
Coding change: c.118G>A on transcript NM_001159699.2 (MANE Select); coding-DNA position 118, G replaced by A.
Protein change: p.Gly40Ser; replaces glycine 40 with serine.
Molecular consequence: missense variant. On other transcripts: non-coding transcript variant (1).
Genome position (GRCh38, 1-based): chrX:136,206,502, G>A. VCF-style: chrX-136206502-G-A. GRCh37 (hg19) VCF-style: chrX-135288661-G-A.
Other names: c.70G>A, p.Gly24Ser (NM_001159704.1, NM_001167819.1, NM_001369326.1 and 9 more transcripts); c.118G>A, p.Gly40Ser (NM_001330659.2); c.70G>A (NM_001449.4); c.157G>A, p.Gly53Ser (NM_001159701.2); short protein forms G24S, G40S, G53S.
Identifiers: ClinVar variation 1063199 (VCV001063199.8), dbSNP rs772911535, ClinGen allele CA10524951.

ClinVar aggregate classification (germline): Uncertain significance. Review status: criteria provided, multiple submitters, no conflicts (2 of 4 stars). 2 submissions from 2 submitters: Uncertain significance (2). Last evaluated 2025-10-02.

Conditions:
Cardiovascular phenotype. Identifiers: MedGen CN230736.
X-linked myopathy with postural muscle atrophy. Also called: FHL1-Related Emery-Dreifuss Muscular Dystrophy, X-Linked. Identifiers: Orphanet 178461, MedGen C2678055, MONDO:0010401, OMIM 300696.

Allele frequency attached by ClinVar (database versions not stated): gnomAD exomes below 0.00001 and 0.00001; TOPMed below 0.00001; ExAC 0.00001.
gnomAD v4.1: 1 of 1,212,357 alleles (0.000082%); highest among the groups gnomAD compares: Non-Finnish European, 0.00011%; no homozygotes.

Submissions (2):

Labcorp Genetics (formerly Invitae), Labcorp
Classification: Uncertain significance for X-linked myopathy with postural muscle atrophy. Last evaluated: 2025-10-02. Review status: criteria provided, single submitter. Criteria: Invitae Variant Classification Sherloc (09022015). Collection method: clinical testing. Allele origin: germline.
Comment: This sequence change replaces glycine, which is neutral and non-polar, with serine, which is neutral and polar, at codon 24 of the FHL1 protein (p.Gly24Ser). This variant is present in population databases (rs772911535, gnomAD 0.001%). This variant has not been reported in the literature in individuals affected with FHL1-related conditions. ClinVar contains an entry for this variant (Variation ID: 1063199). An algorithm developed to predict the effect of missense changes on protein structure and function (PolyPhen-2) suggests that this variant is likely to be tolerated. In summary, the available evidence is currently insufficient to determine the role of this variant in disease. Therefore, it has been classified as a Variant of Uncertain Significance.

Ambry Genetics
Classification: Uncertain significance for Cardiovascular phenotype. Last evaluated: 2025-07-28. Review status: criteria provided, single submitter. Criteria: Ambry Variant Classification Scheme 2023. Collection method: clinical testing. Allele origin: germline.
Comment: The p.G24S variant (also known as c.70G>A), located in coding exon 1 of the FHL1 gene, results from a G to A substitution at nucleotide position 70. The glycine at codon 24 is replaced by serine, an amino acid with similar properties. This amino acid position is conserved. In addition, the in silico prediction for this alteration is inconclusive. Based on the available evidence, the clinical significance of this variant remains unclear.